The following is an entry in ClinVar:

NM_000487.6(ARSA):c.869G>C (p.Arg290Pro)

Gene: ARSA (arylsulfatase A; minus strand). Cytogenetic location: 22q13.33.
Variant type: single nucleotide variant.
Coding change: c.869G>C on transcript NM_000487.6 (MANE Select); coding-DNA position 869, G replaced by C.
Protein change: p.Arg290Pro; replaces arginine 290 with proline.
Molecular consequence: missense variant.
Genome position (GRCh38, 1-based): chr22:50,626,264, C>G on the plus strand (G>C on the coding strand, the complement: ARSA is on the minus strand). VCF-style: chr22-50626264-C-G. GRCh37 (hg19) VCF-style: chr22-51064692-C-G.
Other names: c.869G>C, p.Arg290Pro (NM_001085425.3, NM_001085426.3, NM_001085427.3); c.611G>C, p.Arg204Pro (NM_001085428.3, NM_001362782.2); short protein forms R204P, R290P.
Identifiers: ClinVar variation 2733066 (VCV002733066.3), dbSNP rs199476355, ClinGen allele CA412175040.
Genomic context (GRCh38, chr22:50,626,264, plus strand): 5'-CCCTCGTAGGTCGTTCCCTTTCCACACCGCAAGAGACCGGAGCAGCCGCCTCGGGACATA[C>G]GCATGGTCTCAGGTCTGGGACACAGGAGGCGCTCATGAGCCATGGAGCCACAGCCTCTGA-3'
Protein context (NP_000478.3, residues 280-300): FTADNGPETM[Arg290Pro]MSRGGCSGLL

ClinVar aggregate classification (germline): Likely pathogenic (1 of 4 stars; one submission).

Conditions:
Metachromatic leukodystrophy (MLD). Also called: Cerebral sclerosis diffuse metachromatic form; Arylsulfatase A Deficiency; ARSA DEFICIENCY; CEREBROSIDE SULFATASE DEFICIENCY; METACHROMATIC LEUKOENCEPHALOPATHY; SULFATIDE LIPIDOSIS. Identifiers: Orphanet 512, MedGen C0023522, MONDO:0018868, OMIM 250100.

Submission:

Labcorp Genetics (formerly Invitae), Labcorp
Classification: Likely pathogenic for Metachromatic leukodystrophy. Last evaluated: 2023-09-08. Review status: criteria provided, single submitter. Criteria: Invitae Variant Classification Sherloc (09022015). Collection method: clinical testing. Allele origin: germline.
Comment: This variant disrupts the p.Arg290 amino acid residue in ARSA. Other variant(s) that disrupt this residue have been determined to be pathogenic (PMID: 10477432, 12809637, 15139291, 26462614). This suggests that this residue is clinically significant, and that variants that disrupt this residue are likely to be disease-causing. Advanced modeling of protein sequence and biophysical properties (such as structural, functional, and spatial information, amino acid conservation, physicochemical variation, residue mobility, and thermodynamic stability) performed at Invitae indicates that this missense variant is expected to disrupt ARSA protein function. This variant has not been reported in the literature in individuals affected with ARSA-related conditions. This variant is not present in population databases (gnomAD no frequency). This sequence change replaces arginine, which is basic and polar, with proline, which is neutral and non-polar, at codon 290 of the ARSA protein (p.Arg290Pro). In summary, the currently available evidence indicates that the variant is pathogenic, but additional data are needed to prove that conclusively. Therefore, this variant has been classified as Likely Pathogenic.

Literature cited by the submitters: PubMed 10477432; PubMed 12809637; PubMed 15139291; PubMed 26462614.